The following is an entry in ClinVar:

NM_024426.6(WT1):c.876G>T (p.Thr292=)

Gene: WT1 (WT1 transcription factor; minus strand). Cytogenetic location: 11p13.
Variant type: single nucleotide variant.
Coding change: c.876G>T on transcript NM_024426.6 (MANE Select); coding-DNA position 876, G replaced by T.
Protein change: p.Thr292=; no amino-acid change (threonine 292 retained).
Molecular consequence: synonymous variant. On other transcripts: non-coding transcript variant (2).
Genome position (GRCh38, 1-based): chr11:32,427,967, C>A on the plus strand (G>T on the coding strand, the complement: WT1 is on the minus strand). VCF-style: chr11-32427967-C-A. GRCh37 (hg19) VCF-style: chr11-32449513-C-A.
Other names: c.861G>T (NM_024426.4); c.876G>T, p.Thr292= (NM_000378.6, NM_001407044.1, NM_001407045.1 and 4 more transcripts); c.225G>T, p.Thr75= (NM_001198551.2, NM_001198552.2); c.753G>T, p.Thr251= (NM_001407047.1, NM_001407050.1); c.114G>T, p.Thr38= (NM_001407051.1); c.861G>T, p.Thr287= (NM_024425.2).
Identifiers: ClinVar variation 1116123 (VCV001116123.13), dbSNP rs1343218741, ClinGen allele CA473569511.
Genomic context (GRCh38, chr11:32,427,967, plus strand): 5'-CCCCTCCGGGGTCCCAAGGACCCAGACGCAGAGCCCAGCGCCTTCCTACCTGCTGTAGGG[C>A]GTCCTCAGCAGCAAAGCCTGGCTGCCGGTGCAGCTGTCGGTGGGGGTGTGGCAGCCATAG-3'
Protein context (NP_077744.4, residues 282-302): CTGSQALLLR[Thr292=]PYSSDNLYQM

ClinVar aggregate classification (germline): Likely benign. Review status: criteria provided, multiple submitters, no conflicts (2 of 4 stars). 4 submissions from 4 submitters: Likely benign (4). Last evaluated 2025-10-22.

Conditions:
Wilms tumor 1 (WT1). Also called: Wilms tumor, somatic. Identifiers: Orphanet 654, MedGen CN033288, MONDO:0008679, OMIM 194070.
Drash syndrome (DDS). Also called: NEPHROPATHY, WILMS TUMOR, AND GENITAL ANOMALIES; WILMS TUMOR AND PSEUDO- OR TRUE HERMAPHRODITISM. Identifiers: Orphanet 220, MedGen C0950121, MONDO:0008682, OMIM 194080.
Frasier syndrome. Identifiers: Orphanet 347, MedGen C0950122, MeSH D052159, MONDO:0007635, OMIM 136680.
11p partial monosomy syndrome (WAGR). Also called: CHROMOSOME 11p13 DELETION SYNDROME; WAGR Spectrum Disorder; WAGR syndrome; WAGR Complex. Identifiers: Orphanet 893, MedGen C0206115, MONDO:0008681, OMIM 194072.
Inborn genetic diseases. Identifiers: MedGen C0950123, MeSH D030342.

Allele frequency attached by ClinVar (database versions not stated): gnomAD exomes below 0.00001.
gnomAD v4.1: 1 of 1,611,086 alleles (0.000062%); highest among the groups gnomAD compares: Middle Eastern, 0.019%; no homozygotes.

Submissions (4):

Ambry Genetics
Classification: Likely benign for Inborn genetic diseases. Last evaluated: 2025-10-22. Review status: criteria provided, single submitter. Criteria: Ambry Variant Classification Scheme 2023. Collection method: clinical testing. Allele origin: germline.

Blueprint Genetics
Classification: Likely benign. Last evaluated: 2024-09-04. Review status: criteria provided, single submitter. Criteria: ACMG Guidelines, 2015. Collection method: clinical testing. Allele origin: germline.

All of Us Research Program, National Institutes of Health
Classification: Likely benign for Wilms tumor 1. Last evaluated: 2024-02-05. Review status: criteria provided, single submitter. Criteria: ACMG Guidelines, 2015. Collection method: clinical testing. Allele origin: germline. Inheritance: Autosomal dominant inheritance. Observed: 1 variant allele, 1 heterozygote.
Comment: This study involves interpretation of variants in research participants for the purpose of population health screening. Participant phenotype was not available at the time of variant classification. Additional details can be found in publication PMID: 35346344, PMCID: PMC8962531

Labcorp Genetics (formerly Invitae), Labcorp
Classification: Likely benign for Wilms tumor 1; Drash syndrome; 11p partial monosomy syndrome; Frasier syndrome. Last evaluated: 2023-10-04. Review status: criteria provided, single submitter. Criteria: Invitae Variant Classification Sherloc (09022015). Collection method: clinical testing. Allele origin: germline.